The following is an entry in ClinVar:

NM_000179.3(MSH6):c.1199A>T (p.Glu400Val)

Gene: MSH6 (mutS homolog 6; plus strand). Cytogenetic location: 2p16.3.
Variant type: single nucleotide variant.
Coding change: c.1199A>T on transcript NM_000179.3 (MANE Select); coding-DNA position 1199, A replaced by T.
Protein change: p.Glu400Val; replaces glutamic acid 400 with valine.
Molecular consequence: missense variant.
Genome position (GRCh38, 1-based): chr2:47,799,182, A>T. VCF-style: chr2-47799182-A-T. GRCh37 (hg19) VCF-style: chr2-48026321-A-T.
Other names: c.809A>T, p.Glu270Val (NM_001281492.2); c.293A>T, p.Glu98Val (NM_001281493.2, NM_001281494.2); short protein forms E400V, E98V, E270V.
Identifiers: ClinVar variation 489960 (VCV000489960.28), dbSNP rs932458640, ClinGen allele CA46707672.

ClinVar aggregate classification (germline): Uncertain significance. Review status: criteria provided, multiple submitters, no conflicts (2 of 4 stars). 7 submissions from 7 submitters: Uncertain significance (7). Last evaluated 2026-01-01.

Conditions:
Hereditary nonpolyposis colorectal neoplasms. Identifiers: MedGen C0009405, MeSH D003123.
Lynch syndrome. Identifiers: Orphanet 144, MedGen C4552100, MONDO:0005835. Disease mechanism: loss of function.
Hereditary cancer-predisposing syndrome. Also called: Hereditary neoplastic syndrome; Neoplastic Syndromes, Hereditary; Hereditary Cancer Syndrome; Tumor predisposition. Identifiers: Orphanet 140162, MedGen C0027672, MeSH D009386, MONDO:0015356.
Endometrial carcinoma. Also called: Endometrial carcinoma, somatic. Identifiers: MedGen C0476089, MONDO:0002447, OMIM 608089, HP:0012114.

Allele frequency attached by ClinVar (database versions not stated): gnomAD exomes below 0.00001.
gnomAD v4.1: 1 of 1,614,198 alleles (0.000062%); highest among the groups gnomAD compares: Admixed American, 0.0017%; no homozygotes.

Submissions (7):

Women's Health and Genetics/Laboratory Corporation of America, LabCorp
Classification: Uncertain significance. Last evaluated: 2026-01-01. Review status: criteria provided, single submitter. Criteria: LabCorp Variant Classification Summary - May 2015. Collection method: clinical testing. Allele origin: germline.

CeGaT Center for Human Genetics Tuebingen
Classification: Uncertain significance. Last evaluated: 2025-10-01. Review status: criteria provided, single submitter. Criteria: CeGaT Center For Human Genetics Tuebingen Variant Classification Criteria Version 2. Collection method: clinical testing. Allele origin: germline. Affected: yes. Observed: 1 variant allele.
Comment: MSH6: PM2

Labcorp Genetics (formerly Invitae), Labcorp
Classification: Uncertain significance for Hereditary nonpolyposis colorectal neoplasms. Last evaluated: 2025-07-15. Review status: criteria provided, single submitter. Criteria: Invitae Variant Classification Sherloc (09022015). Collection method: clinical testing. Allele origin: germline.
Comment: This sequence change replaces glutamic acid, which is acidic and polar, with valine, which is neutral and non-polar, at codon 400 of the MSH6 protein (p.Glu400Val). This variant is not present in population databases (gnomAD no frequency). This variant has not been reported in the literature in individuals affected with MSH6-related conditions. ClinVar contains an entry for this variant (Variation ID: 489960). Invitae Evidence Modeling of protein sequence and biophysical properties (such as structural, functional, and spatial information, amino acid conservation, physicochemical variation, residue mobility, and thermodynamic stability) indicates that this missense variant is not expected to disrupt MSH6 protein function with a negative predictive value of 95%. In summary, the available evidence is currently insufficient to determine the role of this variant in disease. Therefore, it has been classified as a Variant of Uncertain Significance.

Ambry Genetics
Classification: Uncertain significance for Hereditary cancer-predisposing syndrome. Last evaluated: 2024-12-19. Review status: criteria provided, single submitter. Criteria: Ambry Variant Classification Scheme 2023. Collection method: clinical testing. Allele origin: germline.
Comment: The p.E400V variant (also known as c.1199A>T), located in coding exon 4 of the MSH6 gene, results from an A to T substitution at nucleotide position 1199. The glutamic acid at codon 400 is replaced by valine, an amino acid with dissimilar properties. This amino acid position is well conserved in available vertebrate species. In addition, the in silico prediction for this alteration is inconclusive. Based on the available evidence, the clinical significance of this variant remains unclear.

Color Diagnostics, LLC DBA Color Health
Classification: Uncertain significance for Hereditary cancer-predisposing syndrome. Last evaluated: 2024-03-06. Review status: criteria provided, single submitter. Criteria: ACMG Guidelines, 2015. Collection method: clinical testing. Allele origin: germline.
Comment: This missense variant replaces glutamic acid with valine at codon 400 of the MSH6 protein. Computational prediction suggests that this variant may have deleterious impact on protein structure and function (internally defined REVEL score threshold >= 0.7, PMID: 27666373). To our knowledge, functional studies have not been reported for this variant. This variant has not been reported in individuals affected with MSH6-related disorders in the literature. This variant has not been identified in the general population by the Genome Aggregation Database (gnomAD). The available evidence is insufficient to determine the role of this variant in disease conclusively. Therefore, this variant is classified as a Variant of Uncertain Significance.

Baylor Genetics
Classification: Uncertain significance for Endometrial carcinoma. Last evaluated: 2023-06-16. Review status: criteria provided, single submitter. Criteria: ACMG Guidelines, 2015. Collection method: clinical testing. Allele origin: unknown.

All of Us Research Program, National Institutes of Health
Classification: Uncertain significance for Lynch syndrome. Last evaluated: 2023-05-04. Review status: criteria provided, single submitter. Criteria: ACMG Guidelines, 2015. Collection method: clinical testing. Allele origin: germline. Inheritance: Autosomal dominant inheritance. Observed: 1 variant allele, 1 heterozygote.
Comment: This missense variant replaces glutamic acid with valine at codon 400 of the MSH6 protein. Computational prediction suggests that this variant may have deleterious impact on protein structure and function (internally defined REVEL score threshold >= 0.7, PMID: 27666373). To our knowledge, functional studies have not been reported for this variant. This variant has not been reported in individuals affected with MSH6-related disorders in the literature. This variant has not been identified in the general population by the Genome Aggregation Database (gnomAD). The available evidence is insufficient to determine the role of this variant in disease conclusively. Therefore, this variant is classified as a Variant of Uncertain Significance.

This study involves interpretation of variants in research participants for the purpose of population health screening. Participant phenotype was not available at the time of variant classification. Additional details can be found in publication PMID: 35346344, PMCID: PMC8962531